The following is an entry in ClinVar:

NM_000130.5(F5):c.2462A>T (p.Asn821Ile)

Gene: F5 (coagulation factor V; minus strand). Cytogenetic location: 1q24.2.
Variant type: single nucleotide variant.
Coding change: c.2462A>T on transcript NM_000130.5 (MANE Select); coding-DNA position 2462, A replaced by T.
Protein change: p.Asn821Ile; replaces asparagine 821 with isoleucine.
Molecular consequence: missense variant.
Genome position (GRCh38, 1-based): chr1:169,542,628, T>A on the plus strand (A>T on the coding strand, the complement: F5 is on the minus strand). VCF-style: chr1-169542628-T-A. GRCh37 (hg19) VCF-style: chr1-169511866-T-A.
Other names: short protein forms N821I.
Identifiers: ClinVar variation 4751989 (VCV004751989.1).

ClinVar aggregate classification (germline): Uncertain significance (1 of 4 stars; one submission).

Conditions:
Congenital factor V deficiency. Also called: LABILE FACTOR DEFICIENCY; OWREN PARAHEMOPHILIA; PARAHEMOPHILIA; Hereditary factor V deficiency disease. Identifiers: Orphanet 326, MedGen C0015499, MONDO:0009210, OMIM 227400.

gnomAD v4.1: 15 of 1,613,938 alleles (0.00093%); highest among the groups gnomAD compares: Non-Finnish European, 0.0011%; no homozygotes.

Submission:

Labcorp Genetics (formerly Invitae), Labcorp
Classification: Uncertain significance for Congenital factor V deficiency. Last evaluated: 2025-05-07. Review status: criteria provided, single submitter. Criteria: Invitae Variant Classification Sherloc (09022015). Collection method: clinical testing. Allele origin: germline.
Comment: This sequence change replaces asparagine, which is neutral and polar, with isoleucine, which is neutral and non-polar, at codon 821 of the F5 protein (p.Asn821Ile). This variant is present in population databases (rs367867100, gnomAD 0.0009%). This variant has not been reported in the literature in individuals affected with F5-related conditions. Invitae Evidence Modeling of protein sequence and biophysical properties (such as structural, functional, and spatial information, amino acid conservation, physicochemical variation, residue mobility, and thermodynamic stability) indicates that this missense variant is not expected to disrupt F5 protein function with a negative predictive value of 80%. In summary, the available evidence is currently insufficient to determine the role of this variant in disease. Therefore, it has been classified as a Variant of Uncertain Significance.